The following is an entry in ClinVar:

NM_001164508.2(NEB):c.24469C>T (p.Gln8157Ter)

Genes: NEB (nebulin; minus strand), RIF1 (replication timing regulatory factor 1; plus strand). Cytogenetic location: 2q23.3.
Variant type: single nucleotide variant.
Coding change: c.24469C>T on transcript NM_001164508.2 (MANE Select); coding-DNA position 24469, C replaced by T.
Protein change: p.Gln8157Ter; replaces glutamine 8157 with a stop codon.
Molecular consequence: nonsense.
Genome position (GRCh38, 1-based): chr2:151,496,293, G>A on the plus strand (C>T on the coding strand, the complement: NEB is on the minus strand). VCF-style: chr2-151496293-G-A. GRCh37 (hg19) VCF-style: chr2-152352807-G-A.
Other names: c.24469C>T, p.Gln8157Ter (NM_001164507.2); c.24574C>T, p.Gln8192Ter (NM_001271208.2); c.18901C>T, p.Gln6301Ter (NM_004543.5); short protein forms Q6301*, Q8157*, Q8192*.
Identifiers: ClinVar variation 2042915 (VCV002042915.5), dbSNP rs2551809624, ClinGen allele CA348778224.

ClinVar aggregate classification (germline): Pathogenic. Review status: criteria provided, multiple submitters, no conflicts (2 of 4 stars). 2 submissions from 2 submitters: Pathogenic (2). Last evaluated 2025-05-15.

Conditions:
Nemaline myopathy 2 (NEM2). Also called: Nemaline myopathy 2, autosomal recessive. Identifiers: MedGen C1850569, MONDO:0009725, OMIM 256030.

Allele frequency attached by ClinVar (database versions not stated): gnomAD exomes below 0.00001.
gnomAD v4.1: 1 of 1,610,028 alleles (0.000062%); highest among the groups gnomAD compares: South Asian, 0.0011%; no homozygotes.

Submissions (2):

Myriad Genetics, Inc.
Classification: Pathogenic for Nemaline myopathy 2. Last evaluated: 2025-05-15. Review status: criteria provided, single submitter. Criteria: Myriad Autosomal Dominant, Autosomal Recessive and X-Linked Classification Criteria (2023). Collection method: clinical testing. Allele origin: unknown.
Comment: NM_001271208.1(NEB):c.24574C>T(Q8192*) is expected to be pathogenic in the context of NEB-related nemaline myopathy. This variant is predicted to lead to an abnormal or absent protein product due to the creation of a premature termination codon in NEB, a gene where loss-of-function variants are known to be pathogenic. Please note: this variant was assessed in the context of healthy population screening.

Labcorp Genetics (formerly Invitae), Labcorp
Classification: Pathogenic for Nemaline myopathy 2. Last evaluated: 2022-02-21. Review status: criteria provided, single submitter. Criteria: Invitae Variant Classification Sherloc (09022015). Collection method: clinical testing. Allele origin: germline.
Comment: This sequence change creates a premature translational stop signal (p.Gln8192*) in the NEB gene. It is expected to result in an absent or disrupted protein product. Loss-of-function variants in NEB are known to be pathogenic (PMID: 25205138). This variant is not present in population databases (gnomAD no frequency). This variant has not been reported in the literature in individuals affected with NEB-related conditions. Algorithms developed to predict the effect of sequence changes on RNA splicing suggest that this variant may disrupt the consensus splice site. For these reasons, this variant has been classified as Pathogenic.

Literature cited by the submitters: PubMed 25205138 (cited by Labcorp Genetics (formerly Invitae), Labcorp).